The following is an entry in ClinVar:

ClinVar aggregate classification (germline): Pathogenic (1 of 4 stars; one submission).

Conditions:
Lysinuric protein intolerance (LPI). Identifiers: Orphanet 470, MedGen C0268647, MONDO:0009109, OMIM 222700.

Allele frequency attached by ClinVar (database versions not stated): gnomAD exomes below 0.00001.

Submission:

Labcorp Genetics (formerly Invitae), Labcorp
Classification: Pathogenic for Lysinuric protein intolerance. Last evaluated: 2023-10-17. Review status: criteria provided, single submitter. Criteria: Invitae Variant Classification Sherloc (09022015). Collection method: clinical testing. Allele origin: germline.
Comment: This sequence change creates a premature translational stop signal (p.Ile367Tyrfs*17) in the SLC7A7 gene. It is expected to result in an absent or disrupted protein product. Loss-of-function variants in SLC7A7 are known to be pathogenic (PMID: 10631139, 17764084). This variant is present in population databases (no rsID available, gnomAD 0.007%). This premature translational stop signal has been observed in individual(s) with lysinuric protein intolerance (PMID: 23542076). ClinVar contains an entry for this variant (Variation ID: 2137552). For these reasons, this variant has been classified as Pathogenic.

Literature cited by the submitters: PubMed 10631139; PubMed 17764084; PubMed 23542076.

NM_003982.4(SLC7A7):c.1098dup (p.Ile367fs)

Gene: SLC7A7 (solute carrier family 7 member 7; minus strand). Cytogenetic location: 14q11.2.
Variant type: Duplication.
Coding change: c.1098dup on transcript NM_003982.4 (MANE Select); coding-DNA position 1098, one base duplicated (T; older notation c.1098dupT).
Protein change: p.Ile367fs; shifts the reading frame from isoleucine 367.
Molecular consequence: frameshift variant.
Genome position (GRCh38, 1-based): chr14:22,774,501, A duplicated on the plus strand (T on the coding strand, the reverse complement: SLC7A7 is on the minus strand). VCF-style (leftmost placement, unchanged base first): chr14-22774500-T-TA. GRCh37 (hg19) VCF-style: chr14-23243709-T-TA.
Other names: c.1098dup, p.Ile367fs (NM_001126105.3, NM_001126106.4); short protein forms I367fs.
Identifiers: ClinVar variation 2137552 (VCV002137552.5), dbSNP rs1254380334, ClinGen allele CA612900637.